The following is an entry in ClinVar:

ClinVar aggregate classification (germline): Uncertain significance. Review status: criteria provided, multiple submitters, no conflicts (2 of 4 stars). 3 submissions from 3 submitters: Uncertain significance (3). Last evaluated 2025-07-20.

Conditions:
Atrial conduction disease. Identifiers: Orphanet 436242, MedGen CN221670, MONDO:0014500.

Allele frequency attached by ClinVar (database versions not stated): ExAC 0.00001; gnomAD 0.00001 and 0.00002; gnomAD exomes 0.00001 and 0.00002; TOPMed 0.00003.
gnomAD v4.1: 16 of 1,612,654 alleles (0.00099%); highest among the groups gnomAD compares: Admixed American, 0.0067%; no homozygotes.

Submissions (3):

Labcorp Genetics (formerly Invitae), Labcorp
Classification: Uncertain significance. Last evaluated: 2025-07-20. Review status: criteria provided, single submitter. Criteria: Invitae Variant Classification Sherloc (09022015). Collection method: clinical testing. Allele origin: germline.
Comment: This sequence change replaces valine, which is neutral and non-polar, with isoleucine, which is neutral and non-polar, at codon 521 of the TNNI3K protein (p.Val521Ile). This variant is present in population databases (rs750338302, gnomAD 0.009%). This variant has not been reported in the literature in individuals affected with TNNI3K-related conditions. ClinVar contains an entry for this variant (Variation ID: 1307801). Invitae Evidence Modeling of protein sequence and biophysical properties (such as structural, functional, and spatial information, amino acid conservation, physicochemical variation, residue mobility, and thermodynamic stability) indicates that this missense variant is not expected to disrupt TNNI3K protein function with a negative predictive value of 80%. In summary, the available evidence is currently insufficient to determine the role of this variant in disease. Therefore, it has been classified as a Variant of Uncertain Significance.

Genome-Nilou Lab
Classification: Uncertain significance for Cardiac conduction disease with or without dilated cardiomyopathy 1. Last evaluated: 2023-04-11. Review status: criteria provided, single submitter. Criteria: ACMG Guidelines, 2015. Collection method: clinical testing. Allele origin: germline. Affected: no.

GeneDx
Classification: Uncertain significance. Last evaluated: 2019-08-08. Review status: criteria provided, single submitter. Criteria: GeneDx Variant Classification Process June 2021. Collection method: clinical testing. Allele origin: germline. Affected: yes.
Comment: Not observed at a significant frequency in large population cohorts (Lek et al., 2016); In silico analysis, which includes protein predictors and evolutionary conservation, supports that this variant does not alter protein structure/function; Has not been previously published as pathogenic or benign to our knowledge

NM_015978.3(TNNI3K):c.1561G>A (p.Val521Ile)

Genes: FPGT-TNNI3K (FPGT-TNNI3K readthrough; plus strand), TNNI3K (TNNI3 interacting kinase; plus strand). Cytogenetic location: 1p31.1.
Variant type: single nucleotide variant.
Coding change: c.1561G>A on transcript NM_015978.3 (MANE Select); coding-DNA position 1561, G replaced by A.
Protein change: p.Val521Ile; replaces valine 521 with isoleucine.
Molecular consequence: missense variant.
Genome position (GRCh38, 1-based): chr1:74,369,479, G>A. VCF-style: chr1-74369479-G-A. GRCh37 (hg19) VCF-style: chr1-74835163-G-A.
Other names: c.1864G>A, p.Val622Ile (NM_001112808.3, NM_001199327.2); short protein forms V521I, V622I.
Identifiers: ClinVar variation 1307801 (VCV001307801.7), dbSNP rs750338302, ClinGen allele CA909328.